The following is an entry in ClinVar:

ClinVar aggregate classification (germline): Pathogenic. Review status: reviewed by expert panel (3 of 4 stars). 5 submissions from 5 submitters: Pathogenic (1). 4 of the submissions do not count toward it. Last evaluated 2017-12-15.

Conditions:
Hereditary cancer-predisposing syndrome. Also called: Hereditary Cancer Syndrome; Hereditary neoplastic syndrome; Neoplastic Syndromes, Hereditary; Tumor predisposition. Identifiers: Orphanet 140162, MedGen C0027672, MeSH D009386, MONDO:0015356.
Breast-ovarian cancer, familial, susceptibility to, 1 (BROVCA1). Also called: BRCA1 Hereditary Breast and Ovarian Cancer; OVARIAN CANCER, SUSCEPTIBILITY TO. Identifiers: Orphanet 145, MedGen C2676676, MONDO:0011450, OMIM 604370. Disease mechanism: loss of function.
Hereditary breast ovarian cancer syndrome. Also called: BRCA1- and BRCA2-Associated Hereditary Breast and Ovarian Cancer; Hereditary breast and ovarian cancer syndrome; Hereditary breast and ovarian cancer syndrome (HBOC); Breast and ovarian cancer; Hereditary breast and/or ovarian cancer syndrome; Hereditary breast and ovarian cancer. Identifiers: Orphanet 145, MedGen C0677776, MeSH D061325, MONDO:0003582. Disease mechanism: loss of function.

Submissions (5):

Evidence-based Network for the Interpretation of Germline Mutant Alleles (ENIGMA)
Classification: Pathogenic for Breast-ovarian cancer, familial, susceptibility to, 1. Last evaluated: 2017-12-15. Review status: reviewed by expert panel. Criteria: ENIGMA BRCA1/2 Classification Criteria (2017-06-29). Collection method: curation. Allele origin: germline. Study: ENIGMA.
Comment: Variant allele predicted to encode a truncated non-functional protein.

Ambry Genetics
Classification: Pathogenic for Hereditary cancer-predisposing syndrome. Last evaluated: 2023-01-30. Review status: criteria provided, single submitter. Criteria: Ambry Variant Classification Scheme 2023. Collection method: clinical testing. Allele origin: germline. Not counted in ClinVar's aggregate classification.
Comment: The c.5533dupT pathogenic mutation, located in coding exon 22 of the BRCA1 gene, results from a duplication of T at nucleotide position 5533, causing a translational frameshift with a predicted alternate stop codon (p.Y1845Lfs*35). This mutation has been reported in Japanese and Korean cohorts with hereditary breast and ovarian cancer (Kim H et al. Breast Cancer Res Treat 2012 Aug;134(3):1315-26; Cancer Sci 2008 Oct;99(10):1967-76). This alteration occurs at the 3' terminus of the BRCA1 gene, is not expected to trigger nonsense-mediated mRNA decay, and results in the elongation of the protein by 15 amino acids. This frameshift impacts the last 19 amino acids of the native protein. However, frameshifts are typically deleterious in nature and the impacted region is critical for protein function (Ambry internal data). This alteration was found to be non-functional in an assay of transcriptional activation (Ambry internal data). Based on the supporting evidence, this alteration is interpreted as a disease-causing mutation.

Women's Health and Genetics/Laboratory Corporation of America, LabCorp
Classification: Pathogenic for Hereditary breast ovarian cancer syndrome. Last evaluated: 2022-12-08. Review status: criteria provided, single submitter. Criteria: LabCorp Variant Classification Summary - May 2015. Collection method: clinical testing. Allele origin: germline. Not counted in ClinVar's aggregate classification.
Comment: Variant summary: BRCA1 c.5533dupT (p.Tyr1845LeufsX35) causes a frameshift which disrupts the last 19 amino acids and results in an extension of the encoded protein, affecting the BRCT domain (IPR001357). The variant was absent in 250824 control chromosomes (gnomAD). It has also been reported in the literature in individuals affected with or suspected of Hereditary Breast And Ovarian Cancer Syndrome (e.g. Judkins_2005, Sugano_2008, Laitman_2019, Fostria_2020). These data indicate that the variant is likely associated with disease. To our knowledge, no experimental evidence demonstrating an impact on protein function has been reported. However, another variant, c.5558dupA (p.Tyr1853X), which similarly impacts the BRCT domain has been classified as pathogenic. Four submitters, including the expert panel ENIGMA, have provided assessments for this variant to ClinVar after 2014 and all classified the variant as pathogenic. Based on the evidence outlined above, the variant was classified as pathogenic.

Labcorp Genetics (formerly Invitae), Labcorp
Classification: Pathogenic for Hereditary breast ovarian cancer syndrome. Last evaluated: 2022-09-06. Review status: criteria provided, single submitter. Criteria: Invitae Variant Classification Sherloc (09022015). Collection method: clinical testing. Allele origin: germline. Not counted in ClinVar's aggregate classification.
Comment: For these reasons, this variant has been classified as Pathogenic. This variant disrupts a region of the BRCA1 protein in which other variant(s) (p.Tyr1853*) have been determined to be pathogenic (PMID: 7894493, 10811118, 11739404, 12400015, 21922593; Invitae). This suggests that this is a clinically significant region of the protein, and that variants that disrupt it are likely to be disease-causing. ClinVar contains an entry for this variant (Variation ID: 55618). This frameshift has been observed in individual(s) with hereditary breast and/or ovarian cancer (PMID: 22798144). This variant is not present in population databases (gnomAD no frequency). This sequence change results in a frameshift in the BRCA1 gene (p.Tyr1845Leufs*35). While this is not anticipated to result in nonsense mediated decay, it is expected to disrupt the last 19 amino acid(s) of the BRCA1 protein and extend the protein by 15 additional amino acid residues.

GeneDx
Classification: Pathogenic. Last evaluated: 2019-01-15. Review status: criteria provided, single submitter. Criteria: GeneDx Variant Classification (06012015). Collection method: clinical testing. Allele origin: germline. Affected: yes. Not counted in ClinVar's aggregate classification.
Comment: This duplication of one nucleotide in BRCA1 is denoted c.5533dupT at the cDNA level and p.Tyr1845LeufsX35 (Y1845LfsX35) at the protein level. The normal sequence, with the base that is duplicated in brackets, is ACTC[dupT]ACCA. The duplication causes a frameshift which changes a Tyrosine to a Leucine at codon 1845 in the last exon of the gene, and results in an extension of the protein. The last 19 amino acids are lost and replaced with 34 incorrect amino acids, disrupting the BRCT2 domain and a region known to interact with multiple proteins (Paul 2014, UniProt). BRCA1 c.5533dupT, also reported as BRCA1 c.5533_5534insT and BRCA1 5652insT using alternate nomenclature, has been observed in at least two individuals with suspected Hereditary Breast and Ovarian Cancer (Judkins 2005, Sugano 2008). Based on the currently available information, we consider this duplication to be a pathogenic variant.

Literature cited by the submitters: PubMed 16267036 (cited by Women's Health and Genetics/Laboratory Corporation of America, LabCorp); PubMed 19016756 (cited by Women's Health and Genetics/Laboratory Corporation of America, LabCorp); PubMed 31209999 (cited by Women's Health and Genetics/Laboratory Corporation of America, LabCorp); PubMed 31300551 (cited by Women's Health and Genetics/Laboratory Corporation of America, LabCorp); PubMed 7894493 (cited by Labcorp Genetics (formerly Invitae), Labcorp); PubMed 10811118 (cited by Labcorp Genetics (formerly Invitae), Labcorp); PubMed 11739404 (cited by Labcorp Genetics (formerly Invitae), Labcorp); PubMed 12400015 (cited by Labcorp Genetics (formerly Invitae), Labcorp); PubMed 21922593 (cited by Labcorp Genetics (formerly Invitae), Labcorp); PubMed 22798144 (cited by Labcorp Genetics (formerly Invitae), Labcorp).

NM_007294.4(BRCA1):c.5533dup (p.Tyr1845fs)

Gene: BRCA1 (BRCA1 DNA repair associated; minus strand). Cytogenetic location: 17q21.31.
Variant type: Duplication.
Coding change: c.5533dup on transcript NM_007294.4 (MANE Select); coding-DNA position 5533, one base duplicated (T; older notation c.5533dupT).
Protein change: p.Tyr1845fs; shifts the reading frame from tyrosine 1845.
Molecular consequence: frameshift variant. On other transcripts: 3 prime UTR variant (1), non-coding transcript variant (1).
Genome position (GRCh38, 1-based): chr17:43,045,737, A duplicated on the plus strand (T on the coding strand, the reverse complement: BRCA1 is on the minus strand). VCF-style (leftmost placement, unchanged base first): chr17-43045736-T-TA. GRCh37 (hg19) VCF-style: chr17-41197753-T-TA.
Other names: c.5533dupT (NM_007294.3); c.5320dup, p.Tyr1774Leufs (NM_001407571.1, NM_001407894.1, NM_001407895.1 and 12 more transcripts); c.5599dup, p.Tyr1867Leufs (NM_001407581.1, NM_001407582.1); c.5596dup, p.Tyr1866Leufs (NM_001407583.1, NM_001407585.1, NM_001407587.1); c.5593dup, p.Tyr1865Leufs (NM_001407590.1, NM_001407591.1); c.5533dup, p.Tyr1845Leufs (NM_001407593.1, NM_001407594.1, NM_001407596.1 and 5 more transcripts); c.5530dup, p.Tyr1844Leufs (NM_001407610.1, NM_001407611.1, NM_001407612.1 and 14 more transcripts); c.5527dup, p.Tyr1843Leufs (NM_001407627.1, NM_001407628.1, NM_001407629.1 and 13 more transcripts); and 77 more; short protein forms Y1798fs, Y1845fs, Y1866fs, Y741fs.
Identifiers: ClinVar variation 55618 (VCV000055618.17), dbSNP rs397509294, ClinGen allele CA328026.
Genomic context (GRCh38, chr17:43,045,736, plus strand): 5'-AGTCAGTAGTGGCTGTGGGGGATCTGGGGTATCAGGTAGGTGTCCAGCTCCTGGCACTGG[T>TA]AGAGTGCTACACTGTCCAACACCCACTCTCGGGTCACCACAGGTGCCTCACACATCTGCC-3'